The following is an entry in ClinVar:

ClinVar aggregate classification (germline): Conflicting classifications of pathogenicity. Review status: criteria provided, conflicting classifications (1 of 4 stars). 4 submissions from 4 submitters: Uncertain significance (1); Likely benign (3). Last evaluated 2026-01-19.

Conditions:
Neuromuscular disease caused by qualitative or quantitative defects of dysferlin. Also called: Dysferlinopathy; Qualitative or quantitative defects of dysferlin. Identifiers: Orphanet 207073, MedGen C2931687, MONDO:0016145.

Allele frequency attached by ClinVar (database versions not stated): gnomAD 0.00001; ExAC 0.00002; gnomAD exomes 0.00002 and 0.00004; TOPMed 0.00002.
gnomAD v4.1: 62 of 1,613,676 alleles (0.0038%); highest among the groups gnomAD compares: Non-Finnish European, 0.0053%; no homozygotes.

Submissions (4):

Labcorp Genetics (formerly Invitae), Labcorp
Classification: Likely benign for Neuromuscular disease caused by qualitative or quantitative defects of dysferlin. Last evaluated: 2026-01-19. Review status: criteria provided, single submitter. Criteria: Invitae Variant Classification Sherloc (09022015). Collection method: clinical testing. Allele origin: germline.

CeGaT Center for Human Genetics Tuebingen
Classification: Likely benign. Last evaluated: 2022-08-01. Review status: criteria provided, single submitter. Criteria: CeGaT Center For Human Genetics Tuebingen Variant Classification Criteria Version 2. Collection method: clinical testing. Allele origin: germline. Affected: yes. Observed: 1 variant allele.
Comment: DYSF: BP4, BP7

Blueprint Genetics
Classification: Likely benign. Last evaluated: 2021-02-03. Review status: criteria provided, single submitter. Criteria: ACMG Guidelines, 2015. Collection method: clinical testing. Allele origin: germline.

Illumina Laboratory Services, Illumina
Classification: Uncertain significance for Qualitative or quantitative defects of dysferlin. Last evaluated: 2018-01-13. Review status: criteria provided, single submitter. Criteria: ICSL Variant Classification Criteria 13 December 2019. Collection method: clinical testing. Allele origin: germline.

NM_001130987.2(DYSF):c.2400G>A (p.Leu800=)

Gene: DYSF (dysferlin; plus strand). Cytogenetic location: 2p13.2.
Variant type: single nucleotide variant.
Coding change: c.2400G>A on transcript NM_001130987.2 (MANE Select); coding-DNA position 2400, G replaced by A.
Protein change: p.Leu800=; no amino-acid change (leucine 800 retained).
Molecular consequence: synonymous variant.
Genome position (GRCh38, 1-based): chr2:71,561,935, G>A. VCF-style: chr2-71561935-G-A. GRCh37 (hg19) VCF-style: chr2-71789065-G-A.
Other names: c.2349G>A, p.Leu783= (NM_001130455.2, NM_001130983.2); c.2304G>A, p.Leu768= (NM_001130976.2, NM_001130977.2); c.2346G>A, p.Leu782= (NM_001130978.2, NM_003494.4); c.2439G>A, p.Leu813= (NM_001130979.2); c.2397G>A, p.Leu799= (NM_001130980.2, NM_001130981.2); c.2442G>A, p.Leu814= (NM_001130982.2); c.2307G>A, p.Leu769= (NM_001130984.2, NM_001130986.2); c.2400G>A, p.Leu800= (NM_001130985.2).
Identifiers: ClinVar variation 897423 (VCV000897423.40), dbSNP rs757613811, ClinGen allele CA1706138.